The following is an entry in ClinVar:

ClinVar aggregate classification (germline): Likely benign (1 of 4 stars; one submission).

Conditions:
Congenital generalized lipodystrophy type 4. Also called: BERARDINELLI-SEIP CONGENITAL LIPODYSTROPHY, TYPE 4, WITH MUSCULAR DYSTROPHY. Identifiers: Orphanet 228429, MedGen C2750069, MONDO:0013225, OMIM 613327.

Allele frequency attached by ClinVar (database versions not stated): TOPMed 0.00008; gnomAD 0.00009 and 0.00036; 1000 Genomes Project 30x 0.00172; 1000 Genomes Project 0.00220.

Submission:

Illumina Laboratory Services, Illumina
Classification: Likely benign for Congenital generalized lipodystrophy type 4. Last evaluated: 2018-01-13. Review status: criteria provided, single submitter. Criteria: ICSL Variant Classification Criteria 13 December 2019. Collection method: clinical testing. Allele origin: germline.
Comment: This variant was observed in the ICSL laboratory as part of a predisposition screen in an ostensibly healthy population. It had not been previously curated by ICSL or reported in the Human Gene Mutation Database (HGMD: prior to June 1st, 2018), and was therefore a candidate for classification through an automated scoring system. Utilizing variant allele frequency, disease prevalence and penetrance estimates, and inheritance mode, an automated score was calculated to assess if this variant is too frequent to cause the disease. Based on the score and internal cut-off values, a variant classified as likely benign is not then subjected to further curation. The score for this variant resulted in a classification of likely benign for this disease.

NM_012232.6(CAVIN1):c.*2211G>A

Gene: CAVIN1 (caveolae associated protein 1; minus strand). Cytogenetic location: 17q21.2.
Variant type: single nucleotide variant.
Coding change: c.*2211G>A on transcript NM_012232.6 (MANE Select); 2211 bases downstream of the stop codon, G replaced by A.
Molecular consequence: 3 prime UTR variant.
Genome position (GRCh38, 1-based): chr17:42,402,476, C>T on the plus strand (G>A on the coding strand, the complement: CAVIN1 is on the minus strand). VCF-style: chr17-42402476-C-T. GRCh37 (hg19) VCF-style: chr17-40554494-C-T.
Identifiers: ClinVar variation 323253 (VCV000323253.5), dbSNP rs74685015, ClinGen allele CA10639669.